The following is an entry in ClinVar:

NM_007126.5(VCP):c.578A>G (p.Asp193Gly)

Gene: VCP (valosin containing protein; minus strand). Cytogenetic location: 9p13.3.
Variant type: single nucleotide variant.
Coding change: c.578A>G on transcript NM_007126.5 (MANE Select); coding-DNA position 578, A replaced by G.
Protein change: p.Asp193Gly; replaces aspartic acid 193 with glycine.
Molecular consequence: missense variant.
Genome position (GRCh38, 1-based): chr9:35,064,284, T>C on the plus strand (A>G on the coding strand, the complement: VCP is on the minus strand). VCF-style: chr9-35064284-T-C. GRCh37 (hg19) VCF-style: chr9-35064281-T-C.
Other names: c.443A>G, p.Asp148Gly (NM_001354927.2, NM_001354928.2); short protein forms D148G, D193G.
Identifiers: ClinVar variation 3900834 (VCV003900834.1).

ClinVar aggregate classification (germline): Uncertain significance (1 of 4 stars; one submission).

Submission:

GeneDx
Classification: Uncertain significance. Last evaluated: 2024-11-27. Review status: criteria provided, single submitter. Criteria: GeneDx Variant Classification Process June 2021. Collection method: clinical testing. Allele origin: germline. Affected: yes.
Comment: Not observed at significant frequency in large population cohorts (gnomAD); In silico analysis supports that this missense variant has a deleterious effect on protein structure/function; Has not been previously published as pathogenic or benign to our knowledge